The following is an entry in ClinVar:

NM_000038.6(APC):c.2832T>G (p.Asn944Lys)

Gene: APC (APC regulator of Wnt signaling pathway; plus strand). Cytogenetic location: 5q22.2.
Variant type: single nucleotide variant.
Coding change: c.2832T>G on transcript NM_000038.6 (MANE Select); coding-DNA position 2832, T replaced by G.
Protein change: p.Asn944Lys; replaces asparagine 944 with lysine.
Molecular consequence: missense variant. On other transcripts: non-coding transcript variant (2).
Genome position (GRCh38, 1-based): chr5:112,838,426, T>G. VCF-style: chr5-112838426-T-G. GRCh37 (hg19) VCF-style: chr5-112174123-T-G.
Other names: c.2832T>G, p.Asn944Lys (NM_001127510.3, NM_001354895.2, NM_001407450.1); c.2778T>G, p.Asn926Lys (NM_001127511.3); c.2886T>G, p.Asn962Lys (NM_001354896.2, NM_001407447.1, NM_001407448.1 and 1 more transcripts); c.2862T>G, p.Asn954Lys (NM_001354897.2); c.2757T>G, p.Asn919Lys (NM_001354898.2); c.2748T>G, p.Asn916Lys (NM_001354899.2); c.2709T>G, p.Asn903Lys (NM_001354900.2); c.2655T>G, p.Asn885Lys (NM_001354901.2, NM_001407453.1); and 11 more; short protein forms N560K, N784K, N815K, N843K, N934K, N937K, N954K, N962K.
Identifiers: ClinVar variation 3882554 (VCV003882554.1).
Genomic context (GRCh38, chr5:112,838,426, plus strand): 5'-AAGCTCTGCTGCCCATACACATTCAAACACTTACAATTTCACTAAGTCGGAAAATTCAAA[T>G]AGGACATGTTCTATGCCTTATGCCAAATTAGAATACAAGAGATCTTCAAATGATAGTTTA-3'
Protein context (NP_000029.2, residues 934-954): TYNFTKSENS[Asn944Lys]RTCSMPYAKL

ClinVar aggregate classification (germline): Uncertain significance (1 of 4 stars; one submission).

Conditions:
Hereditary cancer-predisposing syndrome. Also called: Tumor predisposition; Neoplastic Syndromes, Hereditary; Hereditary Cancer Syndrome; Hereditary neoplastic syndrome. Identifiers: Orphanet 140162, MedGen C0027672, MeSH D009386, MONDO:0015356.

Submission:

Ambry Genetics
Classification: Uncertain significance for Hereditary cancer-predisposing syndrome. Last evaluated: 2025-03-13. Review status: criteria provided, single submitter. Criteria: Ambry Variant Classification Scheme 2023. Collection method: clinical testing. Allele origin: germline.
Comment: The p.N944K variant (also known as c.2832T>G), located in coding exon 15 of the APC gene, results from a T to G substitution at nucleotide position 2832. The asparagine at codon 944 is replaced by lysine, an amino acid with similar properties. This amino acid position is well conserved in available vertebrate species. In addition, in silico predictors for this gene do not accurately predict pathogenicity. Missense alterations in APC are not a common cause of disease (Spier I et al. Genet Med. 2024 Feb;26(2):100992). Based on the available evidence, the clinical significance of this variant remains unclear.